The following is an entry in ClinVar:

NM_032043.3(BRIP1):c.2975C>A (p.Thr992Asn)

Gene: BRIP1 (BRCA1 interacting DNA helicase 1; minus strand). Cytogenetic location: 17q23.2.
Variant type: single nucleotide variant.
Coding change: c.2975C>A on transcript NM_032043.3 (MANE Select); coding-DNA position 2975, C replaced by A.
Protein change: p.Thr992Asn; replaces threonine 992 with asparagine.
Molecular consequence: missense variant.
Genome position (GRCh38, 1-based): chr17:61,684,071, G>T on the plus strand (C>A on the coding strand, the complement: BRIP1 is on the minus strand). VCF-style: chr17-61684071-G-T. GRCh37 (hg19) VCF-style: chr17-59761432-G-T.
Other names: short protein forms T992N.
Identifiers: ClinVar variation 835063 (VCV000835063.10), dbSNP rs2061324557, ClinGen allele CA400480628.

ClinVar aggregate classification (germline): Uncertain significance (1 of 4 stars; one submission).

Conditions:
Familial cancer of breast. Also called: BREAST CANCER, FAMILIAL; hereditary breast carcinoma; Hereditary breast cancer. Identifiers: Orphanet 227535, MedGen C0346153, MONDO:0016419, OMIM 114480. Disease mechanism: loss of function.
Fanconi anemia complementation group J. Also called: BRIP1-Related Fanconi Anemia. Identifiers: Orphanet 84, MedGen C1836860, MONDO:0012187, OMIM 609054.

Submission:

Labcorp Genetics (formerly Invitae), Labcorp
Classification: Uncertain significance for Familial cancer of breast; Fanconi anemia complementation group J. Last evaluated: 2024-08-19. Review status: criteria provided, single submitter. Criteria: Invitae Variant Classification Sherloc (09022015). Collection method: clinical testing. Allele origin: germline.
Comment: This sequence change replaces threonine, which is neutral and polar, with asparagine, which is neutral and polar, at codon 992 of the BRIP1 protein (p.Thr992Asn). This variant is not present in population databases (gnomAD no frequency). This variant has not been reported in the literature in individuals affected with BRIP1-related conditions. ClinVar contains an entry for this variant (Variation ID: 835063). An algorithm developed to predict the effect of missense changes on protein structure and function (PolyPhen-2) suggests that this variant is likely to be disruptive. In summary, the available evidence is currently insufficient to determine the role of this variant in disease. Therefore, it has been classified as a Variant of Uncertain Significance.